The following is an entry in ClinVar:

ClinVar aggregate classification (germline): Uncertain significance (1 of 4 stars; one submission).

Conditions:
Inborn genetic diseases. Identifiers: MedGen C0950123, MeSH D030342.

Submission:

Ambry Genetics
Classification: Uncertain significance for Inborn genetic diseases. Last evaluated: 2026-01-20. Review status: criteria provided, single submitter. Criteria: Ambry Variant Classification Scheme 2023. Collection method: clinical testing. Allele origin: germline.
Comment: The p.F1912C variant (also known as c.5735T>G), located in coding exon 22 of the FANCM gene, results from a T to G substitution at nucleotide position 5735. The phenylalanine at codon 1912 is replaced by cysteine, an amino acid with highly dissimilar properties. This amino acid position is conserved. In addition, the in silico prediction for this alteration is inconclusive. Based on the available evidence, the clinical significance of this variant remains unclear.

NM_020937.4(FANCM):c.5735T>G (p.Phe1912Cys)

Gene: FANCM (FA complementation group M; plus strand). Cytogenetic location: 14q21.2.
Variant type: single nucleotide variant.
Coding change: c.5735T>G on transcript NM_020937.4 (MANE Select); coding-DNA position 5735, T replaced by G.
Protein change: p.Phe1912Cys; replaces phenylalanine 1912 with cysteine.
Molecular consequence: missense variant.
Genome position (GRCh38, 1-based): chr14:45,198,662, T>G. VCF-style: chr14-45198662-T-G. GRCh37 (hg19) VCF-style: chr14-45667865-T-G.
Other names: c.5657T>G, p.Phe1886Cys (NM_001308133.2); short protein forms F1912C, F1886C.
Identifiers: ClinVar variation 4844540 (VCV004844540.1).